The following is an entry in ClinVar:

NM_001130987.2(DYSF):c.1150-42_1155del

Gene: DYSF (dysferlin; plus strand). Cytogenetic location: 2p13.2.
Variant type: Deletion.
Coding change: c.1150-42_1155del on transcript NM_001130987.2 (MANE Select); 42 bases into the intron before coding-DNA position 1150 through coding-DNA position 1155, 48 bases deleted.
Molecular consequence: splice acceptor variant.
Genome position (GRCh38, 1-based): chr2:71,526,178-71,526,225, 48 bases deleted; deleting any 48 consecutive bases within chr2:71,526,177-71,526,225 gives the same sequence; the c. name uses the placement nearest the transcript's 3' end. GRCh37 (hg19): chr2:71,753,308-71,753,355.
Other names: c.1147-42_1152del (NM_001130979.2, NM_001130981.2, NM_001130980.2); c.1054-42_1059del (NM_001130978.2, NM_003494.4, NM_001130977.2 and 1 more transcripts); c.1150-42_1155del (NM_001130982.2, NM_001130985.2); c.1057-42_1062del (NM_001130983.2, NM_001130455.2, NM_001130984.2 and 1 more transcripts).
Identifiers: ClinVar variation 1502596 (VCV001502596.6), dbSNP rs1573743003, ClinGen allele CA1260082986.

ClinVar aggregate classification (germline): Likely pathogenic (1 of 4 stars; one submission).

Conditions:
Neuromuscular disease caused by qualitative or quantitative defects of dysferlin. Also called: Qualitative or quantitative defects of dysferlin; Dysferlinopathy. Identifiers: Orphanet 207073, MedGen C2931687, MONDO:0016145.

Submission:

Labcorp Genetics (formerly Invitae), Labcorp
Classification: Likely pathogenic for Neuromuscular disease caused by qualitative or quantitative defects of dysferlin. Last evaluated: 2024-05-03. Review status: criteria provided, single submitter. Criteria: Invitae Variant Classification Sherloc (09022015). Collection method: clinical testing. Allele origin: germline.
Comment: This variant results in the deletion of part of exon 12 (c.1054-42_1059del) of the DYSF gene. It is expected to disrupt RNA splicing. Variants that disrupt the donor or acceptor splice site typically lead to a loss of protein function (PMID: 16199547), and loss-of-function variants in DYSF are known to be pathogenic (PMID: 17698709, 20301480). This variant is not present in population databases (gnomAD no frequency). This variant has not been reported in the literature in individuals affected with DYSF-related conditions. ClinVar contains an entry for this variant (Variation ID: 1502596). In summary, the currently available evidence indicates that the variant is pathogenic, but additional data are needed to prove that conclusively. Therefore, this variant has been classified as Likely Pathogenic.

Literature cited by the submitters: PubMed 16199547; PubMed 17698709; PubMed 20301480.